The following is an entry in ClinVar:

NM_173495.3(PTCHD1):c.1024T>C (p.Tyr342His)

Gene: PTCHD1 (patched domain containing 1; plus strand). Cytogenetic location: Xp22.11.
Variant type: single nucleotide variant.
Coding change: c.1024T>C on transcript NM_173495.3 (MANE Select); coding-DNA position 1024, T replaced by C.
Protein change: p.Tyr342His; replaces tyrosine 342 with histidine.
Molecular consequence: missense variant.
Genome position (GRCh38, 1-based): chrX:23,392,542, T>C. VCF-style: chrX-23392542-T-C. GRCh37 (hg19) VCF-style: chrX-23410659-T-C.
Other names: short protein forms Y342H.
Identifiers: ClinVar variation 3364201 (VCV003364201.1).

ClinVar aggregate classification (germline): Uncertain significance (1 of 4 stars; one submission).

gnomAD v4.1: 1 of 1,194,475 alleles (0.000084%); highest among the groups gnomAD compares: South Asian, 0.0018%; no homozygotes.

Submission:

GeneDx
Classification: Uncertain significance. Last evaluated: 2023-11-14. Review status: criteria provided, single submitter. Criteria: GeneDx Variant Classification Process June 2021. Collection method: clinical testing. Allele origin: germline. Affected: yes.
Comment: In silico analysis supports that this missense variant does not alter protein structure/function; Has not been previously published as pathogenic or benign to our knowledge